The following is an entry in ClinVar:

ClinVar aggregate classification (germline): Pathogenic. Review status: reviewed by expert panel (3 of 4 stars). 2 submissions from 2 submitters: Pathogenic (1). 1 of the submissions does not count toward it. Last evaluated 2016-09-08.

Conditions:
Breast-ovarian cancer, familial, susceptibility to, 2 (BROVCA2). Also called: BRCA2 Hereditary Breast and Ovarian Cancer. Identifiers: Orphanet 145, MedGen C2675520, MONDO:0012933, OMIM 612555. Disease mechanism: loss of function.

Submissions (2):

Evidence-based Network for the Interpretation of Germline Mutant Alleles (ENIGMA)
Classification: Pathogenic for Breast-ovarian cancer, familial, susceptibility to, 2. Last evaluated: 2016-09-08. Review status: reviewed by expert panel. Criteria: ENIGMA BRCA1/2 Classification Criteria (2015). Collection method: curation. Allele origin: germline.
Comment: Variant allele predicted to encode a truncated non-functional protein.

Sharing Clinical Reports Project (SCRP)
Classification: Pathogenic for Breast-ovarian cancer, familial 2. Last evaluated: 2008-05-23. Review status: no assertion criteria provided. Collection method: clinical testing. Allele origin: germline. Not counted in ClinVar's aggregate classification.

NM_000059.4(BRCA2):c.3073A>T (p.Lys1025Ter)

Gene: BRCA2 (BRCA2 DNA repair associated; plus strand). Cytogenetic location: 13q13.1.
Variant type: single nucleotide variant.
Coding change: c.3073A>T on transcript NM_000059.4 (MANE Select); coding-DNA position 3073, A replaced by T.
Protein change: p.Lys1025Ter; replaces lysine 1025 with a stop codon.
Molecular consequence: nonsense.
Genome position (GRCh38, 1-based): chr13:32,337,428, A>T. VCF-style: chr13-32337428-A-T. GRCh37 (hg19) VCF-style: chr13-32911565-A-T.
Other names: 3301A>T; short protein forms K1025*.
Identifiers: ClinVar variation 37818 (VCV000037818.2), dbSNP rs80358550, ClinGen allele CA017171.